The following is an entry in ClinVar:

NM_005560.6(LAMA5):c.1376A>G (p.Asp459Gly)

Gene: LAMA5 (laminin subunit alpha 5; minus strand). Cytogenetic location: 20q13.33.
Variant type: single nucleotide variant.
Coding change: c.1376A>G on transcript NM_005560.6 (MANE Select); coding-DNA position 1376, A replaced by G.
Protein change: p.Asp459Gly; replaces aspartic acid 459 with glycine.
Molecular consequence: missense variant.
Genome position (GRCh38, 1-based): chr20:62,346,122, T>C on the plus strand (A>G on the coding strand, the complement: LAMA5 is on the minus strand). VCF-style: chr20-62346122-T-C. GRCh37 (hg19) VCF-style: chr20-60921178-T-C.
Other names: c.1376A>G (NM_005560.3); short protein forms D459G.
Identifiers: ClinVar variation 2420755 (VCV002420755.7), dbSNP rs372347149, ClinGen allele CA9943977.

ClinVar aggregate classification (germline): Uncertain significance. Review status: criteria provided, multiple submitters, no conflicts (2 of 4 stars). 2 submissions from 2 submitters: Uncertain significance (2). Last evaluated 2025-06-18.

Conditions:
Inborn genetic diseases. Identifiers: MedGen C0950123, MeSH D030342.

Allele frequency attached by ClinVar (database versions not stated): gnomAD exomes 0.00001; ExAC 0.00003; gnomAD 0.00009; TOPMed 0.00010; ESP Exome Variant Server 0.00015; 1000 Genomes Project 0.00020; 1000 Genomes Project 30x 0.00031.
gnomAD v4.1: 27 of 1,612,974 alleles (0.0017%); highest among the groups gnomAD compares: African/African-American, 0.023%; no homozygotes.

Submissions (2):

Ambry Genetics
Classification: Uncertain significance for Inborn genetic diseases. Last evaluated: 2025-06-18. Review status: criteria provided, single submitter. Criteria: Ambry Variant Classification Scheme 2023. Collection method: clinical testing. Allele origin: germline.

Labcorp Genetics (formerly Invitae), Labcorp
Classification: Uncertain significance. Last evaluated: 2025-06-12. Review status: criteria provided, single submitter. Criteria: Invitae Variant Classification Sherloc (09022015). Collection method: clinical testing. Allele origin: germline.
Comment: This sequence change replaces aspartic acid, which is acidic and polar, with glycine, which is neutral and non-polar, at codon 459 of the LAMA5 protein (p.Asp459Gly). This variant is present in population databases (rs372347149, gnomAD 0.04%). This variant has not been reported in the literature in individuals affected with LAMA5-related conditions. ClinVar contains an entry for this variant (Variation ID: 2420755). An algorithm developed to predict the effect of missense changes on protein structure and function (PolyPhen-2) suggests that this variant is likely to be tolerated. In summary, the available evidence is currently insufficient to determine the role of this variant in disease. Therefore, it has been classified as a Variant of Uncertain Significance.